The following is an entry in ClinVar:

ClinVar aggregate classification (germline): Uncertain significance (1 of 4 stars; one submission).

Conditions:
Alzheimer disease. Also called: Presenile and senile dementia; Alzheimer's disease. Identifiers: Orphanet 1020, MedGen C0002395, MeSH D000544, MONDO:0004975, HP:0002511.

Submission:

Labcorp Genetics (formerly Invitae), Labcorp
Classification: Uncertain significance for Alzheimer disease. Last evaluated: 2023-10-09. Review status: criteria provided, single submitter. Criteria: Invitae Variant Classification Sherloc (09022015). Collection method: clinical testing. Allele origin: germline.
Comment: This variant results in the deletion of part of exon 7 (c.1021_1033+438del) of the APP gene. It is expected to disrupt RNA splicing. Variants that disrupt the donor or acceptor splice site typically lead to a loss of protein function (PMID: 16199547), however the current clinical and genetic evidence is not sufficient to establish whether loss-of-function variants in APP cause disease. This variant is not present in population databases (gnomAD no frequency). This variant has not been reported in the literature in individuals affected with APP-related conditions. In summary, the available evidence is currently insufficient to determine the role of this variant in disease. Therefore, it has been classified as a Variant of Uncertain Significance.

Literature cited by the submitters: PubMed 16199547.

NM_000484.4(APP):c.1021_1033+438del

Gene: APP (amyloid beta precursor protein; minus strand). Cytogenetic location: 21q21.3.
Variant type: Deletion.
Coding change: c.1021_1033+438del on transcript NM_000484.4 (MANE Select); coding-DNA position 1021 through 438 bases into the intron after coding-DNA position 1033, 451 bases deleted.
Molecular consequence: splice donor variant. On other transcripts: intron variant (5).
Genome position (GRCh38, 1-based): chr21:25,999,577-26,000,027, 451 bases deleted. GRCh37 (hg19): chr21:27,371,894-27,372,344.
Other names: c.761-17550_761-17100del (NM_001136131.3); c.698-17550_698-17100del (NM_001136129.3); c.853_865+438del (NM_001136130.3); c.866-17550_866-17100del (NM_001204303.2, NM_201414.3); c.866-2611_866-2161del (NM_001385253.1); c.1021_1033+438del (NM_001204302.2, NM_201413.3, NM_001204301.2); c.1006_1018+438del (NM_001136016.3).
Identifiers: ClinVar variation 2751464 (VCV002751464.3), dbSNP rs2516699058, ClinGen allele CA2697547476.